The following is an entry in ClinVar:

NM_006767.4(LZTR1):c.401-3C>G

Gene: LZTR1 (leucine zipper like post translational regulator 1; plus strand). Cytogenetic location: 22q11.21.
Variant type: single nucleotide variant.
Coding change: c.401-3C>G on transcript NM_006767.4 (MANE Select); 3 bases into the intron before coding-DNA position 401, C replaced by G.
Molecular consequence: intron variant.
Genome position (GRCh38, 1-based): chr22:20,988,007, C>G. VCF-style: chr22-20988007-C-G. GRCh37 (hg19) VCF-style: chr22-21342296-C-G.
Identifiers: ClinVar variation 3624537 (VCV003624537.2).

ClinVar aggregate classification (germline): Uncertain significance (1 of 4 stars; one submission).

gnomAD v4.1: 4 of 1,557,746 alleles (0.00026%); highest among the groups gnomAD compares: East Asian, 0.0067%; no homozygotes.

Submission:

Labcorp Genetics (formerly Invitae), Labcorp
Classification: Uncertain significance. Last evaluated: 2026-01-28. Review status: criteria provided, single submitter. Criteria: Invitae Variant Classification Sherloc (09022015). Collection method: clinical testing. Allele origin: germline.
Comment: This sequence change falls in intron 4 of the LZTR1 gene. It does not directly change the encoded amino acid sequence of the LZTR1 protein. It affects a nucleotide within the consensus splice site. This variant is not present in population databases (gnomAD no frequency). This variant has not been reported in the literature in individuals affected with LZTR1-related conditions. ClinVar contains an entry for this variant (Variation ID: 3624537). Variants that disrupt the consensus splice site are a relatively common cause of aberrant splicing (PMID: 17576681, 9536098). Algorithms developed to predict the effect of sequence changes on RNA splicing suggest that this variant may disrupt the consensus splice site. In summary, the available evidence is currently insufficient to determine the role of this variant in disease. Therefore, it has been classified as a Variant of Uncertain Significance.

Literature cited by the submitters: PubMed 17576681; PubMed 9536098.